The following is an entry in ClinVar:

NM_001035.3(RYR2):c.6077G>C (p.Arg2026Thr)

Gene: RYR2 (ryanodine receptor 2; plus strand). Cytogenetic location: 1q43.
Variant type: single nucleotide variant.
Coding change: c.6077G>C on transcript NM_001035.3 (MANE Select); coding-DNA position 6077, G replaced by C.
Protein change: p.Arg2026Thr; replaces arginine 2026 with threonine.
Molecular consequence: missense variant.
Genome position (GRCh38, 1-based): chr1:237,625,715, G>C. VCF-style: chr1-237625715-G-C. GRCh37 (hg19) VCF-style: chr1-237789015-G-C.
Other names: short protein forms R2026T.
Identifiers: ClinVar variation 1751417 (VCV001751417.9), dbSNP rs755101590, ClinGen allele CA087042.

ClinVar aggregate classification (germline): Uncertain significance. Review status: criteria provided, multiple submitters, no conflicts (2 of 4 stars). 3 submissions from 3 submitters: Uncertain significance (3). Last evaluated 2025-03-31.

Conditions:
Catecholaminergic polymorphic ventricular tachycardia 1. Also called: VENTRICULAR TACHYCARDIA, CATECHOLAMINERGIC POLYMORPHIC, 1, WITH OR WITHOUT ATRIAL DYSFUNCTION AND/OR DILATED CARDIOMYOPATHY; VENTRICULAR TACHYCARDIA, STRESS-INDUCED POLYMORPHIC 1; RYR2-Related Catecholaminergic Polymorphic Ventricular Tachycardia. Identifiers: Orphanet 3286, MedGen C1631597, MONDO:0011484, OMIM 604772.
Cardiovascular phenotype. Identifiers: MedGen CN230736.
Cardiomyopathy (CMYO). Also called: Cardiomyopathies. Identifiers: Orphanet 167848, MedGen C0878544, MONDO:0004994, HP:0001638. Inheritance: Various modes of inheritance.

Allele frequency attached by ClinVar (database versions not stated): ExAC 0.00001; gnomAD exomes 0.00001.
gnomAD v4.1: 11 of 1,613,740 alleles (0.00068%); highest among the groups gnomAD compares: Non-Finnish European, 0.00093%; no homozygotes.

Submissions (3):

Labcorp Genetics (formerly Invitae), Labcorp
Classification: Uncertain significance for Catecholaminergic polymorphic ventricular tachycardia 1. Last evaluated: 2025-03-31. Review status: criteria provided, single submitter. Criteria: Invitae Variant Classification Sherloc (09022015). Collection method: clinical testing. Allele origin: germline.
Comment: This sequence change replaces arginine, which is basic and polar, with threonine, which is neutral and polar, at codon 2026 of the RYR2 protein (p.Arg2026Thr). This variant is present in population databases (rs755101590, gnomAD 0.002%). This variant has not been reported in the literature in individuals affected with RYR2-related conditions. ClinVar contains an entry for this variant (Variation ID: 1751417). Invitae Evidence Modeling of protein sequence and biophysical properties (such as structural, functional, and spatial information, amino acid conservation, physicochemical variation, residue mobility, and thermodynamic stability) indicates that this missense variant is not expected to disrupt RYR2 protein function with a negative predictive value of 95%. In summary, the available evidence is currently insufficient to determine the role of this variant in disease. Therefore, it has been classified as a Variant of Uncertain Significance.

Color Diagnostics, LLC DBA Color Health
Classification: Uncertain significance for Cardiomyopathy. Last evaluated: 2024-03-07. Review status: criteria provided, single submitter. Criteria: ACMG Guidelines, 2015. Collection method: clinical testing. Allele origin: germline.
Comment: This missense variant replaces arginine with threonine at codon 2026 of the RYR2 protein. Computational prediction suggests that this variant may not impact protein structure and function (internally defined REVEL score threshold <= 0.5, PMID: 27666373). To our knowledge, functional studies have not been reported for this variant. This variant has not been reported in individuals affected with cardiovascular disorders in the literature. This variant has been identified in 2/249156 chromosomes in the general population by the Genome Aggregation Database (gnomAD). The available evidence is insufficient to determine the role of this variant in disease conclusively. Therefore, this variant is classified as a Variant of Uncertain Significance.

Ambry Genetics
Classification: Uncertain significance for Cardiovascular phenotype. Last evaluated: 2019-08-02. Review status: criteria provided, single submitter. Criteria: Ambry Variant Classification Scheme 2023. Collection method: clinical testing. Allele origin: germline.
Comment: The p.R2026T variant (also known as c.6077G>C), located in coding exon 40 of the RYR2 gene, results from a G to C substitution at nucleotide position 6077. The arginine at codon 2026 is replaced by threonine, an amino acid with similar properties. This amino acid position is highly conserved in available vertebrate species; however, threonine is the reference amino acid in other vertebrate species. In addition, this alteration is predicted to be tolerated by in silico analysis. Since supporting evidence is limited at this time, the clinical significance of this alteration remains unclear.